The following is an entry in ClinVar:

ClinVar aggregate classification (germline): Likely benign (0 of 4 stars; one submission).

Conditions:
PLXNA4-related disorder. Also called: PLXNA4-related condition.

Allele frequency attached by ClinVar (database versions not stated): ExAC 0.00004; gnomAD 0.00011; TOPMed 0.00015.
gnomAD v4.1: 59 of 1,613,292 alleles (0.0037%); highest among the groups gnomAD compares: Middle Eastern, 0.033%; no homozygotes.

Submission:

PreventionGenetics, part of Exact Sciences
Classification: Likely benign for PLXNA4-related condition. Last evaluated: 2021-05-26. Review status: no assertion criteria provided. Collection method: clinical testing. Allele origin: germline.
Comment: This variant is classified as likely benign based on ACMG/AMP sequence variant interpretation guidelines (Richards et al. 2015 PMID: 25741868, with internal and published modifications).

NM_020911.2(PLXNA4):c.96G>A (p.Pro32=)

Gene: PLXNA4 (plexin A4; minus strand). Cytogenetic location: 7q32.3.
Variant type: single nucleotide variant.
Coding change: c.96G>A on transcript NM_020911.2 (MANE Select); coding-DNA position 96, G replaced by A.
Protein change: p.Pro32=; no amino-acid change (proline 32 retained).
Molecular consequence: synonymous variant.
Genome position (GRCh38, 1-based): chr7:132,508,598, C>T on the plus strand (G>A on the coding strand, the complement: PLXNA4 is on the minus strand). VCF-style: chr7-132508598-C-T. GRCh37 (hg19) VCF-style: chr7-132193357-C-T.
Other names: c.96G>A, p.Pro32= (NM_001105543.2, NM_001393897.1, NM_181775.4).
Identifiers: ClinVar variation 3046908 (VCV003046908.2), dbSNP rs753629832, ClinGen allele CA4490556.